The following is an entry in ClinVar:

NM_001367561.1(DOCK7):c.869T>C (p.Val290Ala)

Gene: DOCK7 (dedicator of cytokinesis 7; minus strand). Cytogenetic location: 1p31.3.
Variant type: single nucleotide variant.
Coding change: c.869T>C on transcript NM_001367561.1 (MANE Select); coding-DNA position 869, T replaced by C.
Protein change: p.Val290Ala; replaces valine 290 with alanine.
Molecular consequence: missense variant.
Genome position (GRCh38, 1-based): chr1:62,636,553, A>G on the plus strand (T>C on the coding strand, the complement: DOCK7 is on the minus strand). VCF-style: chr1-62636553-A-G. GRCh37 (hg19) VCF-style: chr1-63102224-A-G.
Other names: c.869T>C, p.Val290Ala (NM_001271999.2, NM_001272000.2, NM_001272001.2 and 3 more transcripts); short protein forms V290A.
Identifiers: ClinVar variation 568913 (VCV000568913.10), dbSNP rs368412194, ClinGen allele CA887091.

ClinVar aggregate classification (germline): Uncertain significance. Review status: criteria provided, multiple submitters, no conflicts (2 of 4 stars). 2 submissions from 2 submitters: Uncertain significance (2). Last evaluated 2025-01-14.

Conditions:
Developmental and epileptic encephalopathy, 23 (DEE23). Also called: Epileptic encephalopathy, early infantile, 23. Identifiers: Orphanet 411986, MedGen C4014492, MONDO:0014371, OMIM 615859.

Allele frequency attached by ClinVar (database versions not stated): gnomAD 0.00001 and 0.00013; gnomAD exomes 0.00001 and 0.00002; ExAC 0.00002; ESP Exome Variant Server 0.00008; TOPMed 0.00017.

Submissions (2):

GeneDx
Classification: Uncertain significance. Last evaluated: 2025-01-14. Review status: criteria provided, single submitter. Criteria: GeneDx Variant Classification Process June 2021. Collection method: clinical testing. Allele origin: germline. Affected: yes.
Comment: Not observed at significant frequency in large population cohorts (gnomAD); In silico analysis supports that this missense variant has a deleterious effect on protein structure/function; Has not been previously published as pathogenic or benign to our knowledge

Labcorp Genetics (formerly Invitae), Labcorp
Classification: Uncertain significance for Developmental and epileptic encephalopathy, 23. Last evaluated: 2022-10-19. Review status: criteria provided, single submitter. Criteria: Invitae Variant Classification Sherloc (09022015). Collection method: clinical testing. Allele origin: germline.
Comment: This sequence change replaces valine, which is neutral and non-polar, with alanine, which is neutral and non-polar, at codon 290 of the DOCK7 protein (p.Val290Ala). This variant is present in population databases (rs368412194, gnomAD 0.005%). This variant has not been reported in the literature in individuals affected with DOCK7-related conditions. ClinVar contains an entry for this variant (Variation ID: 568913). Advanced modeling of protein sequence and biophysical properties (such as structural, functional, and spatial information, amino acid conservation, physicochemical variation, residue mobility, and thermodynamic stability) performed at Invitae indicates that this missense variant is not expected to disrupt DOCK7 protein function. In summary, the available evidence is currently insufficient to determine the role of this variant in disease. Therefore, it has been classified as a Variant of Uncertain Significance.